The following is an entry in ClinVar:

ClinVar aggregate classification (germline): Likely benign. Review status: criteria provided, multiple submitters, no conflicts (2 of 4 stars). 3 submissions from 3 submitters: Likely benign (2). 1 of the submissions does not count toward it. Last evaluated 2026-02-04.

Conditions:
RASA1-related disorder. Also called: RASA1-related condition.
Capillary malformation-arteriovenous malformation syndrome. Also called: Capillary malformation-arteriovenous malformation. Identifiers: Orphanet 137667, MedGen C1842180, MONDO:0012016.

Allele frequency attached by ClinVar (database versions not stated): TOPMed 0.00002.
gnomAD v4.1: 36 of 1,613,406 alleles (0.0022%); highest among the groups gnomAD compares: African/African-American, 0.0027%; no homozygotes.

Submissions (3):

Labcorp Genetics (formerly Invitae), Labcorp
Classification: Likely benign for Capillary malformation-arteriovenous malformation syndrome. Last evaluated: 2026-02-04. Review status: criteria provided, single submitter. Criteria: Invitae Variant Classification Sherloc (09022015). Collection method: clinical testing. Allele origin: germline.

Blueprint Genetics
Classification: Likely benign. Last evaluated: 2024-11-21. Review status: criteria provided, single submitter. Criteria: ACMG Guidelines, 2015. Collection method: clinical testing. Allele origin: germline.

PreventionGenetics, part of Exact Sciences
Classification: Likely benign for RASA1-related condition. Last evaluated: 2019-08-27. Review status: no assertion criteria provided. Collection method: clinical testing. Allele origin: germline. Not counted in ClinVar's aggregate classification.
Comment: This variant is classified as likely benign based on ACMG/AMP sequence variant interpretation guidelines (Richards et al. 2015 PMID: 25741868, with internal and published modifications).

NM_002890.3(RASA1):c.3060+10C>T

Genes: CCNH (cyclin H; minus strand), RASA1 (RAS p21 protein activator 1; plus strand). Cytogenetic location: 5q14.3.
Variant type: single nucleotide variant.
Coding change: c.3060+10C>T on transcript NM_002890.3 (MANE Select); 10 bases into the intron after coding-DNA position 3060, C replaced by T.
Molecular consequence: intron variant.
Genome position (GRCh38, 1-based): chr5:87,389,537, C>T. VCF-style: chr5-87389537-C-T. GRCh37 (hg19) VCF-style: chr5-86685354-C-T.
Other names: c.2529+10C>T (NM_022650.3); c.933+5507G>A (NM_001364075.2).
Identifiers: ClinVar variation 533454 (VCV000533454.12), dbSNP rs768479962, ClinGen allele CA3336202.